The following is an entry in ClinVar:

NM_012470.4(TNPO3):c.608G>A (p.Arg203His)

Gene: TNPO3 (transportin 3; minus strand). Cytogenetic location: 7q32.1.
Variant type: single nucleotide variant.
Coding change: c.608G>A on transcript NM_012470.4 (MANE Select); coding-DNA position 608, G replaced by A.
Protein change: p.Arg203His; replaces arginine 203 with histidine.
Molecular consequence: missense variant. On other transcripts: non-coding transcript variant (18), intron variant (1).
Genome position (GRCh38, 1-based): chr7:129,005,104, C>T on the plus strand (G>A on the coding strand, the complement: TNPO3 is on the minus strand). VCF-style: chr7-129005104-C-T. GRCh37 (hg19) VCF-style: chr7-128645158-C-T.
Other names: c.608G>A, p.Arg203His (NM_001191028.3, NM_001382216.1, NM_001382218.1 and 4 more transcripts); c.689G>A, p.Arg230His (NM_001382217.1); c.553-3870G>A (NM_001382221.1); short protein forms R203H, R230H.
Identifiers: ClinVar variation 647236 (VCV000647236.10), dbSNP rs977205285, ClinGen allele CA166222290.

ClinVar aggregate classification (germline): Uncertain significance. Review status: criteria provided, multiple submitters, no conflicts (2 of 4 stars). 2 submissions from 2 submitters: Uncertain significance (2). Last evaluated 2025-11-26.

Conditions:
Autosomal dominant limb-girdle muscular dystrophy type 1F (LGMDD2). Also called: Limb-girdle muscular dystrophy, type 1F; MUSCULAR DYSTROPHY, LIMB-GIRDLE, AUTOSOMAL DOMINANT 2. Identifiers: Orphanet 55595, MedGen C1842062, MONDO:0012034, OMIM 608423.
Inborn genetic diseases. Identifiers: MedGen C0950123, MeSH D030342.

Allele frequency attached by ClinVar (database versions not stated): gnomAD 0.00001; gnomAD exomes 0.00001; TOPMed 0.00002.
gnomAD v4.1: 13 of 1,613,748 alleles (0.00081%); highest among the groups gnomAD compares: East Asian, 0.0045%; no homozygotes.

Submissions (2):

Ambry Genetics
Classification: Uncertain significance for Inborn genetic diseases. Last evaluated: 2025-11-26. Review status: criteria provided, single submitter. Criteria: Ambry Variant Classification Scheme 2023. Collection method: clinical testing. Allele origin: germline.

Labcorp Genetics (formerly Invitae), Labcorp
Classification: Uncertain significance for Autosomal dominant limb-girdle muscular dystrophy type 1F. Last evaluated: 2018-09-21. Review status: criteria provided, single submitter. Criteria: Invitae Variant Classification Sherloc (09022015). Collection method: clinical testing. Allele origin: germline.
Comment: This sequence change replaces arginine with histidine at codon 203 of the TNPO3 protein (p.Arg203His). The arginine residue is highly conserved and there is a small physicochemical difference between arginine and histidine. In summary, the available evidence is currently insufficient to determine the role of this variant in disease. Therefore, it has been classified as a Variant of Uncertain Significance. Algorithms developed to predict the effect of missense changes on protein structure and function are either unavailable or do not agree on the potential impact of this missense change (SIFT: "Deleterious"; PolyPhen-2: "Possibly Damaging"; Align-GVGD: "Class C0"). This variant has not been reported in the literature in individuals with TNPO3-related disease. This variant is not present in population databases (ExAC no frequency).